The following is an entry in ClinVar:

NM_024006.6(VKORC1):c.283+448A>G

Gene: VKORC1 (vitamin K epoxide reductase complex subunit 1; minus strand). Cytogenetic location: 16p11.2.
Variant type: single nucleotide variant.
Coding change: c.283+448A>G on transcript NM_024006.6 (MANE Select); 448 bases into the intron after coding-DNA position 283, A replaced by G.
Molecular consequence: intron variant. On other transcripts: missense variant (1).
Genome position (GRCh38, 1-based): chr16:31,092,864, T>C on the plus strand (A>G on the coding strand, the complement: VKORC1 is on the minus strand). VCF-style: chr16-31092864-T-C. GRCh37 (hg19) VCF-style: chr16-31104185-T-C.
Other names: c.286A>G, p.Met96Val (NM_001311311.2); c.174-1522A>G (NM_206824.3); short protein forms M96V.
Identifiers: ClinVar variation 3033207 (VCV003033207.2), dbSNP rs371197517, ClinGen allele CA8021162.

ClinVar aggregate classification (germline): Benign (0 of 4 stars; one submission).

Conditions:
VKORC1-related disorder. Also called: VKORC1-related condition.

Allele frequency attached by ClinVar (database versions not stated): TOPMed 0.00020; gnomAD 0.00057; gnomAD exomes 0.00132; 1000 Genomes Project 0.00339; 1000 Genomes Project 30x 0.00359; ExAC 0.01586.
gnomAD v4.1: 1,148 of 948,172 alleles (0.12%); highest among the groups gnomAD compares: South Asian, 1.6%; 20 homozygotes.

Submission:

PreventionGenetics, part of Exact Sciences
Classification: Benign for VKORC1-related condition. Last evaluated: 2019-06-27. Review status: no assertion criteria provided. Collection method: clinical testing. Allele origin: germline.
Comment: This variant is classified as benign based on ACMG/AMP sequence variant interpretation guidelines (Richards et al. 2015 PMID: 25741868, with internal and published modifications).